The following is an entry in ClinVar:

ClinVar aggregate classification (germline): Benign/Likely benign. Review status: criteria provided, multiple submitters, no conflicts (2 of 4 stars). 6 submissions from 6 submitters: Benign (4); Likely benign (2). Last evaluated 2026-09-01.

Conditions:
Hereditary cancer-predisposing syndrome. Also called: Hereditary neoplastic syndrome; Tumor predisposition; Neoplastic Syndromes, Hereditary; Hereditary Cancer Syndrome. Identifiers: Orphanet 140162, MedGen C0027672, MeSH D009386, MONDO:0015356.
Retinoblastoma (RB1). Also called: RETINOBLASTOMA, SOMATIC. Identifiers: Orphanet 790, MedGen C0035335, MeSH D012175, MONDO:0008380, OMIM 180200, HP:0009919. Disease mechanism: loss of function. Inheritance: Both sporadic and heritable forms are tested..

Allele frequency attached by ClinVar (database versions not stated): gnomAD 0.00001; gnomAD exomes 0.00005; TOPMed 0.00010.
gnomAD v4.1: 28 of 1,611,076 alleles (0.0017%); highest among the groups gnomAD compares: Admixed American, 0.012%; no homozygotes.

Submissions (6):

CeGaT Center for Human Genetics Tuebingen
Classification: Likely benign. Last evaluated: 2026-09-01. Review status: criteria provided, single submitter. Criteria: CeGaT Center For Human Genetics Tuebingen Variant Classification Criteria Version 2. Collection method: clinical testing. Allele origin: germline. Affected: yes. Observed: 1 variant allele.
Comment: RB1: BP4, BP7

Myriad Genetics, Inc.
Classification: Benign for Retinoblastoma. Last evaluated: 2026-06-24. Review status: criteria provided, single submitter. Criteria: Myriad Autosomal Dominant, Autosomal Recessive and X-Linked Classification Criteria (2023). Collection method: clinical testing. Allele origin: unknown.
Comment: This variant is considered benign. This variant is a silent/synonymous amino acid change and it is not expected to impact splicing.

Labcorp Genetics (formerly Invitae), Labcorp
Classification: Benign for Retinoblastoma. Last evaluated: 2026-02-03. Review status: criteria provided, single submitter. Criteria: Invitae Variant Classification Sherloc (09022015). Collection method: clinical testing. Allele origin: germline.

All of Us Research Program, National Institutes of Health
Classification: Benign for Retinoblastoma. Last evaluated: 2023-09-04. Review status: criteria provided, single submitter. Criteria: ACMG Guidelines, 2015. Collection method: clinical testing. Allele origin: germline. Inheritance: Autosomal dominant inheritance. Observed: 3 variant alleles, 3 heterozygotes.
Comment: This study involves interpretation of variants in research participants for the purpose of population health screening. Participant phenotype was not available at the time of variant classification. Additional details can be found in publication PMID: 35346344, PMCID: PMC8962531

Color Diagnostics, LLC DBA Color Health
Classification: Benign for Retinoblastoma. Last evaluated: 2022-04-29. Review status: criteria provided, single submitter. Criteria: ACMG Guidelines, 2015. Collection method: clinical testing. Allele origin: germline.

Ambry Genetics
Classification: Likely benign for Hereditary cancer-predisposing syndrome. Last evaluated: 2017-02-23. Review status: criteria provided, single submitter. Criteria: Ambry Variant Classification Scheme 2023. Collection method: clinical testing. Allele origin: germline.

NM_000321.3(RB1):c.1596C>T (p.Ile532=)

Gene: RB1 (RB transcriptional corepressor 1; plus strand). Cytogenetic location: 13q14.2.
Variant type: single nucleotide variant.
Coding change: c.1596C>T on transcript NM_000321.3 (MANE Select); coding-DNA position 1596, C replaced by T.
Protein change: p.Ile532=; no amino-acid change (isoleucine 532 retained).
Molecular consequence: synonymous variant.
Genome position (GRCh38, 1-based): chr13:48,381,344, C>T. VCF-style: chr13-48381344-C-T. GRCh37 (hg19) VCF-style: chr13-48955480-C-T.
Identifiers: ClinVar variation 486286 (VCV000486286.19), dbSNP rs770728170, ClinGen allele CA029127.